The following is an entry in ClinVar:

NM_182972.3(IRF2BP2):c.685C>T (p.Pro229Ser)

Genes: IRF2BP2 (interferon regulatory factor 2 binding protein 2; minus strand), LOC129932811 (ATAC-STARR-seq lymphoblastoid silent region 1976; plus strand). Cytogenetic location: 1q42.3.
Variant type: single nucleotide variant.
Coding change: c.685C>T on transcript NM_182972.3 (MANE Select); coding-DNA position 685, C replaced by T.
Protein change: p.Pro229Ser; replaces proline 229 with serine.
Molecular consequence: missense variant.
Genome position (GRCh38, 1-based): chr1:234,608,810, G>A on the plus strand (C>T on the coding strand, the complement: IRF2BP2 is on the minus strand). VCF-style: chr1-234608810-G-A. GRCh37 (hg19) VCF-style: chr1-234744556-G-A.
Other names: c.685C>T, p.Pro229Ser (NM_001077397.1); short protein forms P229S.
Identifiers: ClinVar variation 2765209 (VCV002765209.3), dbSNP rs1225798331, ClinGen allele CA345308969.
Genomic context (GRCh38, chr1:234,608,810, plus strand): 5'-GCTCCACGGCAGCGCTGCTCGACACGGATGCCGGCCGCTTGTGGGCGCCCAGATCGGTGG[G>A]CTGCGCGGAGCCCAGGCTGGCGGCCGCGGTTCCGGACACCGCGGCTAAGGAGGCGGCAGC-3'
Protein context (NP_892017.2, residues 219-239): TAAASLGSAQ[Pro229Ser]TDLGAHKRPA

ClinVar aggregate classification (germline): Uncertain significance (1 of 4 stars; one submission).

Submission:

Labcorp Genetics (formerly Invitae), Labcorp
Classification: Uncertain significance. Last evaluated: 2023-10-04. Review status: criteria provided, single submitter. Criteria: Invitae Variant Classification Sherloc (09022015). Collection method: clinical testing. Allele origin: germline.
Comment: This sequence change replaces proline, which is neutral and non-polar, with serine, which is neutral and polar, at codon 229 of the IRF2BP2 protein (p.Pro229Ser). This variant is not present in population databases (gnomAD no frequency). This variant has not been reported in the literature in individuals affected with IRF2BP2-related conditions. Algorithms developed to predict the effect of missense changes on protein structure and function output the following: SIFT: "Not Available"; PolyPhen-2: "Possibly Damaging"; Align-GVGD: "Not Available". The serine amino acid residue is found in multiple mammalian species, which suggests that this missense change does not adversely affect protein function. In summary, the available evidence is currently insufficient to determine the role of this variant in disease. Therefore, it has been classified as a Variant of Uncertain Significance.